The following is an entry in ClinVar:

NC_000013.11:g.(?_48379574)_(48480071_?)del

Genes: LPAR6 (lysophosphatidic acid receptor 6; minus strand), RB1 (RB transcriptional corepressor 1; plus strand). Cytogenetic location: 13q14.2.
Variant type: Deletion.
Identifiers: ClinVar variation 832535 (VCV000832535.7).

ClinVar aggregate classification (germline): Pathogenic (1 of 4 stars; one submission).

Conditions:
Retinoblastoma (RB1). Also called: RETINOBLASTOMA, SOMATIC. Identifiers: Orphanet 790, MedGen C0035335, MeSH D012175, MONDO:0008380, OMIM 180200, HP:0009919. Disease mechanism: loss of function. Inheritance: Both sporadic and heritable forms are tested..

Submission:

Labcorp Genetics (formerly Invitae), Labcorp
Classification: Pathogenic for Retinoblastoma. Last evaluated: 2020-03-18. Review status: criteria provided, single submitter. Criteria: Invitae Variant Classification Sherloc (09022015). Collection method: clinical testing. Allele origin: germline.
Comment: For these reasons, this variant has been classified as Pathogenic. This variant disrupts the C-terminus of the RB1 protein. Other variant(s) that disrupt this region (Deletion of exons 18-27) have been determined to be pathogenic (PMID: 23301675, 12541220). This suggests that variants that disrupt this region of the protein are likely to be causative of disease. This variant has not been reported in the literature in individuals with RB1-related conditions. This variant is a gross deletion of the genomic region encompassing exons 14-27 of the RB1 gene. The 5' boundary is likely confined to intron 13. The 3' end of this event is unknown as it extends through the termination codon beyond the assayed region for this gene and may encompass additional genes. While this deletion is not anticipated to result in nonsense mediated decay, it is expected to create a truncated protein product or disrupt mRNA translation.

Literature cited by the submitters: PubMed 23301675; PubMed 12541220.